The following is an entry in ClinVar:

ClinVar aggregate classification (germline): Likely pathogenic (1 of 4 stars; one submission).

Conditions:
Polycystic kidney disease, adult type (PKD1). Also called: Polycystic Kidney Disease 1, Autosomal Dominant; Polycystic kidney disease 1; Polycystic kidney disease 1, severe; Polycystic Kidney, Autosomal Dominant; POLYCYSTIC KIDNEY DISEASE 1 WITH OR WITHOUT POLYCYSTIC LIVER DISEASE; POLYCYSTIC KIDNEY DISEASE, ADULT, TYPE I. Identifiers: MedGen C3149841, MONDO:0008263, OMIM 173900.

Submission:

Department of Molecular Genetics, Istishari Arab Hospital
Classification: Likely pathogenic for Polycystic kidney disease, adult type. Last evaluated: 2026-05-19. Review status: criteria provided, single submitter. Criteria: ACMG Guidelines, 2015. Collection method: clinical testing. Allele origin: germline. Inheritance: Autosomal dominant inheritance. Affected: yes.
Comment: The PKD1 variant c.350T>A, p.Leu117* causes a premature stop codon at position 117 in exon 3 (out of 46). The variant is not observed in the gnomAD v4.1.0 dataset (<0.001), and to the best of our knowledge, it was not previously reported in literature. It is classified as likely pathogenic based on ACMG/AMP/ClinGen SVI guidelines.

NM_001009944.3(PKD1):c.350T>A (p.Leu117Ter)

Gene: PKD1 (polycystin 1, transient receptor potential channel interacting; minus strand). Cytogenetic location: 16p13.3.
Variant type: single nucleotide variant.
Coding change: c.350T>A on transcript NM_001009944.3 (MANE Select); coding-DNA position 350, T replaced by A.
Protein change: p.Leu117Ter; replaces leucine 117 with a stop codon.
Molecular consequence: nonsense.
Genome position (GRCh38, 1-based): chr16:2,119,123, A>T on the plus strand (T>A on the coding strand, the complement: PKD1 is on the minus strand). VCF-style: chr16-2119123-A-T. GRCh37 (hg19) VCF-style: chr16-2169124-A-T.
Other names: p.Leu117*; c.350T>A, p.Leu117Ter (NM_000296.4); short protein forms L117*.
Identifiers: ClinVar variation 4850952 (VCV004850952.1).